The following is an entry in ClinVar:

ClinVar aggregate classification (germline): Uncertain significance (1 of 4 stars; one submission).

Conditions:
Inborn genetic diseases. Identifiers: MedGen C0950123, MeSH D030342.

Submission:

Ambry Genetics
Classification: Uncertain significance for Inborn genetic diseases. Last evaluated: 2025-07-28. Review status: criteria provided, single submitter. Criteria: Ambry Variant Classification Scheme 2023. Collection method: clinical testing. Allele origin: germline.
Comment: The p.L415V variant (also known as c.1243C>G), located in coding exon 14 of the RTEL1 gene, results from a C to G substitution at nucleotide position 1243. The leucine at codon 415 is replaced by valine, an amino acid with highly similar properties. This amino acid position is conserved. In addition, this alteration is predicted to be tolerated by in silico analysis. Based on the available evidence, the clinical significance of this variant remains unclear.

NM_001283009.2(RTEL1):c.1243C>G (p.Leu415Val)

Genes: RTEL1 (regulator of telomere elongation helicase 1; plus strand), RTEL1-TNFRSF6B (RTEL1-TNFRSF6B readthrough (NMD candidate); plus strand). Cytogenetic location: 20q13.33.
Variant type: single nucleotide variant.
Coding change: c.1243C>G on transcript NM_001283009.2 (MANE Select); coding-DNA position 1243, C replaced by G.
Protein change: p.Leu415Val; replaces leucine 415 with valine.
Molecular consequence: missense variant. On other transcripts: non-coding transcript variant (1).
Genome position (GRCh38, 1-based): chr20:63,685,574, C>G. VCF-style: chr20-63685574-C-G. GRCh37 (hg19) VCF-style: chr20-62316927-C-G.
Other names: c.574C>G, p.Leu192Val (NM_001283010.1); c.1243C>G, p.Leu415Val (NM_016434.4); c.1315C>G, p.Leu439Val (NM_032957.5); short protein forms L192V, L415V, L439V.
Identifiers: ClinVar variation 4157623 (VCV004157623.1).
Genomic context (GRCh38, chr20:63,685,574, plus strand): 5'-GCCTTTCAGATTGTGTTCAGTGTGGACCCCTCCGAGGGCAGCCCTGGTTCCCCAGCAGGG[C>G]TGGGGGCCTTACAGTCCTATAAGGTAGGGGCCACCTCCAGGAGGCAGGTGGAGGGCAGCC-3'
Protein context (NP_001269938.1, residues 405-425): SEGSPGSPAG[Leu415Val]GALQSYKVHI